The following is an entry in ClinVar:

NM_017934.7(PHIP):c.2714A>T (p.Glu905Val)

Gene: PHIP (PHIP subunit of CUL4-Ring ligase complex; minus strand). Cytogenetic location: 6q14.1.
Variant type: single nucleotide variant.
Coding change: c.2714A>T on transcript NM_017934.7 (MANE Select); coding-DNA position 2714, A replaced by T.
Protein change: p.Glu905Val; replaces glutamic acid 905 with valine.
Molecular consequence: missense variant.
Genome position (GRCh38, 1-based): chr6:78,982,941, T>A on the plus strand (A>T on the coding strand, the complement: PHIP is on the minus strand). VCF-style: chr6-78982941-T-A. GRCh37 (hg19) VCF-style: chr6-79692658-T-A.
Other names: short protein forms E905V.
Identifiers: ClinVar variation 2446509 (VCV002446509.2), dbSNP rs753647976, ClinGen allele CA364649522.

ClinVar aggregate classification (germline): Uncertain significance (1 of 4 stars; one submission).

Submission:

GeneDx
Classification: Uncertain significance. Last evaluated: 2023-12-29. Review status: criteria provided, single submitter. Criteria: GeneDx Variant Classification Process June 2021. Collection method: clinical testing. Allele origin: germline. Affected: yes.
Comment: Not observed at significant frequency in large population cohorts (gnomAD); In silico analysis supports that this missense variant does not alter protein structure/function; Has not been previously published as pathogenic or benign to our knowledge